The following is an entry in ClinVar:

NM_145331.3(MAP3K7):c.1438C>G (p.Pro480Ala)

Gene: MAP3K7 (mitogen-activated protein kinase kinase kinase 7; minus strand). Cytogenetic location: 6q15.
Variant type: single nucleotide variant.
Coding change: c.1438C>G on transcript NM_145331.3 (MANE Select); coding-DNA position 1438, C replaced by G.
Protein change: p.Pro480Ala; replaces proline 480 with alanine.
Molecular consequence: missense variant.
Genome position (GRCh38, 1-based): chr6:90,523,702, G>C on the plus strand (C>G on the coding strand, the complement: MAP3K7 is on the minus strand). VCF-style: chr6-90523702-G-C. GRCh37 (hg19) VCF-style: chr6-91233421-G-C.
Other names: c.1357C>G, p.Pro453Ala (NM_003188.4, NM_145333.3); c.1438C>G, p.Pro480Ala (NM_145332.3); short protein forms P480A, P453A.
Identifiers: ClinVar variation 4624271 (VCV004624271.2).

ClinVar aggregate classification (germline): Uncertain significance. Review status: criteria provided, multiple submitters, no conflicts (2 of 4 stars). 2 submissions from 2 submitters: Uncertain significance (2). Last evaluated 2025-11-20.

Conditions:
Inborn genetic diseases. Identifiers: MedGen C0950123, MeSH D030342.

gnomAD v4.1: 237 of 1,613,076 alleles (0.015%); highest among the groups gnomAD compares: Non-Finnish European, 0.02%; no homozygotes.

Submissions (2):

Ambry Genetics
Classification: Uncertain significance for Inborn genetic diseases. Last evaluated: 2025-11-20. Review status: criteria provided, single submitter. Criteria: Ambry Variant Classification Scheme 2023. Collection method: clinical testing. Allele origin: germline.

Labcorp Genetics (formerly Invitae), Labcorp
Classification: Uncertain significance. Last evaluated: 2025-06-22. Review status: criteria provided, single submitter. Criteria: Invitae Variant Classification Sherloc (09022015). Collection method: clinical testing. Allele origin: germline.
Comment: This sequence change replaces proline, which is neutral and non-polar, with alanine, which is neutral and non-polar, at codon 480 of the MAP3K7 protein (p.Pro480Ala). This variant is present in population databases (rs375936720, gnomAD 0.005%). This variant has not been reported in the literature in individuals affected with MAP3K7-related conditions. An algorithm developed to predict the effect of missense changes on protein structure and function (PolyPhen-2) suggests that this variant is likely to be tolerated. In summary, the available evidence is currently insufficient to determine the role of this variant in disease. Therefore, it has been classified as a Variant of Uncertain Significance.